The following is an entry in ClinVar:

ClinVar aggregate classification (germline): Uncertain significance (1 of 4 stars; one submission).

Conditions:
Dilated cardiomyopathy 1DD (CMD1DD). Identifiers: Orphanet 154, MedGen C2750995, MONDO:0013168, OMIM 613172.

Submission:

Labcorp Genetics (formerly Invitae), Labcorp
Classification: Uncertain significance for Dilated cardiomyopathy 1DD. Last evaluated: 2024-10-30. Review status: criteria provided, single submitter. Criteria: Invitae Variant Classification Sherloc (09022015). Collection method: clinical testing. Allele origin: germline.
Comment: This sequence change replaces threonine, which is neutral and polar, with isoleucine, which is neutral and non-polar, at codon 881 of the RBM20 protein (p.Thr881Ile). This variant is not present in population databases (gnomAD no frequency). This variant has not been reported in the literature in individuals affected with RBM20-related conditions. Invitae Evidence Modeling of protein sequence and biophysical properties (such as structural, functional, and spatial information, amino acid conservation, physicochemical variation, residue mobility, and thermodynamic stability) indicates that this missense variant is not expected to disrupt RBM20 protein function with a negative predictive value of 95%. In summary, the available evidence is currently insufficient to determine the role of this variant in disease. Therefore, it has been classified as a Variant of Uncertain Significance.

NM_001134363.3(RBM20):c.2642C>T (p.Thr881Ile)

Gene: RBM20 (RNA binding motif protein 20; plus strand). Cytogenetic location: 10q25.2.
Variant type: single nucleotide variant.
Coding change: c.2642C>T on transcript NM_001134363.3 (MANE Select); coding-DNA position 2642, C replaced by T.
Protein change: p.Thr881Ile; replaces threonine 881 with isoleucine.
Molecular consequence: missense variant.
Genome position (GRCh38, 1-based): chr10:110,820,163, C>T. VCF-style: chr10-110820163-C-T. GRCh37 (hg19) VCF-style: chr10-112579921-C-T.
Other names: short protein forms T881I.
Identifiers: ClinVar variation 3689876 (VCV003689876.2).